The following is an entry in ClinVar:

NM_014795.4(ZEB2):c.197C>T (p.Pro66Leu)

Gene: ZEB2 (zinc finger E-box binding homeobox 2; minus strand). Cytogenetic location: 2q22.3.
Variant type: single nucleotide variant.
Coding change: c.197C>T on transcript NM_014795.4 (MANE Select); coding-DNA position 197, C replaced by T.
Protein change: p.Pro66Leu; replaces proline 66 with leucine.
Molecular consequence: missense variant.
Genome position (GRCh38, 1-based): chr2:144,429,903, G>A on the plus strand (C>T on the coding strand, the complement: ZEB2 is on the minus strand). VCF-style: chr2-144429903-G-A. GRCh37 (hg19) VCF-style: chr2-145187470-G-A.
Other names: c.197C>T, p.Pro66Leu (NM_001171653.2); short protein forms P66L.
Identifiers: ClinVar variation 1720180 (VCV001720180.5), dbSNP rs2549120674, ClinGen allele CA348718855.

ClinVar aggregate classification (germline): Uncertain significance (1 of 4 stars; one submission).

Conditions:
Mowat-Wilson syndrome (MOWS). Also called: Classic Mowat-Wilson Syndrome. Identifiers: Orphanet 2152, MedGen C1856113, MONDO:0009341, OMIM 235730.

Submission:

Labcorp Genetics (formerly Invitae), Labcorp
Classification: Uncertain significance for Mowat-Wilson syndrome. Last evaluated: 2022-09-23. Review status: criteria provided, single submitter. Criteria: Invitae Variant Classification Sherloc (09022015). Collection method: clinical testing. Allele origin: germline.
Comment: This sequence change replaces proline, which is neutral and non-polar, with leucine, which is neutral and non-polar, at codon 66 of the ZEB2 protein (p.Pro66Leu). This variant is not present in population databases (gnomAD no frequency). This variant has not been reported in the literature in individuals affected with ZEB2-related conditions. Algorithms developed to predict the effect of missense changes on protein structure and function (SIFT, PolyPhen-2, Align-GVGD) all suggest that this variant is likely to be tolerated. In summary, the available evidence is currently insufficient to determine the role of this variant in disease. Therefore, it has been classified as a Variant of Uncertain Significance.